The following is an entry in ClinVar:

NM_004371.4(COPA):c.944T>C (p.Ile315Thr)

Gene: COPA (coat protein complex I subunit alpha; minus strand). Cytogenetic location: 1q23.2.
Variant type: single nucleotide variant.
Coding change: c.944T>C on transcript NM_004371.4 (MANE Select); coding-DNA position 944, T replaced by C.
Protein change: p.Ile315Thr; replaces isoleucine 315 with threonine.
Molecular consequence: missense variant.
Genome position (GRCh38, 1-based): chr1:160,312,000, A>G on the plus strand (T>C on the coding strand, the complement: COPA is on the minus strand). VCF-style: chr1-160312000-A-G. GRCh37 (hg19) VCF-style: chr1-160281790-A-G.
Other names: c.944T>C, p.Ile315Thr (NM_001098398.2); short protein forms I315T.
Identifiers: ClinVar variation 2049523 (VCV002049523.4), dbSNP rs2525404632, ClinGen allele CA343261740.

ClinVar aggregate classification (germline): Uncertain significance (1 of 4 stars; one submission).

Conditions:
Autoimmune interstitial lung disease-arthritis syndrome. Also called: Autoinflammation and autoimmunity, systemic, with immune dysregulation. Identifiers: Orphanet 444092, MedGen C5975714, MONDO:0014629.

Allele frequency attached by ClinVar (database versions not stated): gnomAD exomes below 0.00001.
gnomAD v4.1: 1 of 1,613,930 alleles (0.000062%); highest among the groups gnomAD compares: Non-Finnish European, 0.000085%; no homozygotes.

Submission:

Labcorp Genetics (formerly Invitae), Labcorp
Classification: Uncertain significance for Autoimmune interstitial lung disease-arthritis syndrome. Last evaluated: 2021-12-19. Review status: criteria provided, single submitter. Criteria: Invitae Variant Classification Sherloc (09022015). Collection method: clinical testing. Allele origin: germline.
Comment: In summary, the available evidence is currently insufficient to determine the role of this variant in disease. Therefore, it has been classified as a Variant of Uncertain Significance. Advanced modeling of protein sequence and biophysical properties (such as structural, functional, and spatial information, amino acid conservation, physicochemical variation, residue mobility, and thermodynamic stability) performed at Invitae indicates that this missense variant is not expected to disrupt COPA protein function. This variant has not been reported in the literature in individuals affected with COPA-related conditions. This variant is not present in population databases (gnomAD no frequency). This sequence change replaces isoleucine, which is neutral and non-polar, with threonine, which is neutral and polar, at codon 315 of the COPA protein (p.Ile315Thr).